The following is an entry in ClinVar:

NM_020884.7(MYH7B):c.884G>C (p.Gly295Ala)

Gene: MYH7B (myosin heavy chain 7B; plus strand). Cytogenetic location: 20q11.22.
Variant type: single nucleotide variant.
Coding change: c.884G>C on transcript NM_020884.7 (MANE Select); coding-DNA position 884, G replaced by C.
Protein change: p.Gly295Ala; replaces glycine 295 with alanine.
Molecular consequence: missense variant.
Genome position (GRCh38, 1-based): chr20:34,986,178, G>C. VCF-style: chr20-34986178-G-C. GRCh37 (hg19) VCF-style: chr20-33573981-G-C.
Other names: short protein forms G295A.
Identifiers: ClinVar variation 1989356 (VCV001989356.4), dbSNP rs2082018445, ClinGen allele CA408699526.

ClinVar aggregate classification (germline): Uncertain significance (1 of 4 stars; one submission).

Allele frequency attached by ClinVar (database versions not stated): gnomAD exomes 0.00001.
gnomAD v4.1: 10 of 1,597,196 alleles (0.00063%); highest among the groups gnomAD compares: Non-Finnish European, 0.0006%; no homozygotes.

Submission:

Labcorp Genetics (formerly Invitae), Labcorp
Classification: Uncertain significance. Last evaluated: 2022-08-22. Review status: criteria provided, single submitter. Criteria: Invitae Variant Classification Sherloc (09022015). Collection method: clinical testing. Allele origin: germline.
Comment: This variant is not present in population databases (gnomAD no frequency). This sequence change replaces glycine, which is neutral and non-polar, with alanine, which is neutral and non-polar, at codon 337 of the MYH7B protein (p.Gly337Ala). This variant has not been reported in the literature in individuals affected with MYH7B-related conditions. Algorithms developed to predict the effect of missense changes on protein structure and function are either unavailable or do not agree on the potential impact of this missense change (SIFT: "Deleterious"; PolyPhen-2: "Benign"; Align-GVGD: "Class C55"). In summary, the available evidence is currently insufficient to determine the role of this variant in disease. Therefore, it has been classified as a Variant of Uncertain Significance.